The following is an entry in ClinVar:

NM_004336.5(BUB1):c.827T>C (p.Met276Thr)

Gene: BUB1 (BUB1 mitotic checkpoint serine/threonine kinase; minus strand). Cytogenetic location: 2q13.
Variant type: single nucleotide variant.
Coding change: c.827T>C on transcript NM_004336.5 (MANE Select); coding-DNA position 827, T replaced by C.
Protein change: p.Met276Thr; replaces methionine 276 with threonine.
Molecular consequence: missense variant.
Genome position (GRCh38, 1-based): chr2:110,666,393, A>G on the plus strand (T>C on the coding strand, the complement: BUB1 is on the minus strand). VCF-style: chr2-110666393-A-G. GRCh37 (hg19) VCF-style: chr2-111423970-A-G.
Other names: c.767T>C, p.Met256Thr (NM_001278616.2); c.827T>C, p.Met276Thr (NM_001278617.2); short protein forms M276T, M256T.
Identifiers: ClinVar variation 2560890 (VCV002560890.2), dbSNP rs756456694, ClinGen allele CA1828227.

ClinVar aggregate classification (germline): Uncertain significance (1 of 4 stars; one submission).

Allele frequency attached by ClinVar (database versions not stated): ExAC 0.00001; gnomAD 0.00001.
gnomAD v4.1: 10 of 1,470,362 alleles (0.00068%); highest among the groups gnomAD compares: South Asian, 0.0077%; no homozygotes.

Submission:

Ambry Genetics
Classification: Uncertain significance. Last evaluated: 2023-05-28. Review status: criteria provided, single submitter. Criteria: Ambry Variant Classification Scheme 2023. Collection method: clinical testing. Allele origin: germline.
Comment: The p.M276T variant (also known as c.827T>C), located in coding exon 9 of the BUB1 gene, results from a T to C substitution at nucleotide position 827. The methionine at codon 276 is replaced by threonine, an amino acid with similar properties. This amino acid position is conserved. In addition, this alteration is predicted to be tolerated by in silico analysis. Since supporting evidence is limited at this time, the clinical significance of this alteration remains unclear.